The following is an entry in ClinVar:

ClinVar aggregate classification (germline): Likely pathogenic (1 of 4 stars; one submission).

Conditions:
Actin accumulation myopathy (CMYO2A). Also called: Myopathy, actin, congenital, with cores; Nemaline myopathy 3, with intranuclear rods; CONGENITAL MYOPATHY 2A, TYPICAL, AUTOSOMAL DOMINANT; Nemaline myopathy type 3; Myopathy, actin, congenital, with excess of thin myofilaments. Identifiers: Orphanet 98904, MedGen C3711389, MONDO:0008070, OMIM 161800.

Submission:

Labcorp Genetics (formerly Invitae), Labcorp
Classification: Likely pathogenic for Actin accumulation myopathy. Last evaluated: 2022-06-19. Review status: criteria provided, single submitter. Criteria: Invitae Variant Classification Sherloc (09022015). Collection method: clinical testing. Allele origin: germline.
Comment: This variant disrupts the p.Ile359 amino acid residue in ACTA1. Other variant(s) that disrupt this residue have been determined to be pathogenic (PMID: 11333380, 15198992, 15226407). This suggests that this residue is clinically significant, and that variants that disrupt this residue are likely to be disease-causing. In summary, the currently available evidence indicates that the variant is pathogenic, but additional data are needed to prove that conclusively. Therefore, this variant has been classified as Likely Pathogenic. This sequence change replaces isoleucine, which is neutral and non-polar, with valine, which is neutral and non-polar, at codon 359 of the ACTA1 protein (p.Ile359Val). Advanced modeling of protein sequence and biophysical properties (such as structural, functional, and spatial information, amino acid conservation, physicochemical variation, residue mobility, and thermodynamic stability) performed at Invitae indicates that this missense variant is expected to disrupt ACTA1 protein function. This variant has not been reported in the literature in individuals affected with ACTA1-related conditions. This variant is not present in population databases (gnomAD no frequency).

Literature cited by the submitters: PubMed 11333380; PubMed 15198992; PubMed 15226407.

NM_001100.4(ACTA1):c.1075A>G (p.Ile359Val)

Gene: ACTA1 (actin alpha 1, skeletal muscle; minus strand). Cytogenetic location: 1q42.13.
Variant type: single nucleotide variant.
Coding change: c.1075A>G on transcript NM_001100.4 (MANE Select); coding-DNA position 1075, A replaced by G.
Protein change: p.Ile359Val; replaces isoleucine 359 with valine.
Molecular consequence: missense variant.
Genome position (GRCh38, 1-based): chr1:229,431,558, T>C on the plus strand (A>G on the coding strand, the complement: ACTA1 is on the minus strand). VCF-style: chr1-229431558-T-C. GRCh37 (hg19) VCF-style: chr1-229567305-T-C.
Other names: short protein forms I359V.
Identifiers: ClinVar variation 2008339 (VCV002008339.4), dbSNP rs121909524, ClinGen allele CA345144440.
Genomic context (GRCh38, chr1:229,431,558, plus strand): 5'-TCTAGAAGCATTTGCGGTGGACGATGGAAGGGCCGGCCTCGTCGTACTCCTGCTTGGTGA[T>C]CCACATCTGCTGGAAGGTGGACAGCGAGGCCAGGATGGAGCCGCCGATCCACACCGAGTA-3'
Protein context (NP_001091.1, residues 349-369): ASLSTFQQMW[Ile359Val]TKQEYDEAGP